The following is an entry in ClinVar:

ClinVar aggregate classification (germline): Uncertain significance (1 of 4 stars; one submission).

Allele frequency attached by ClinVar (database versions not stated): gnomAD exomes below 0.00001.
gnomAD v4.1: 1 of 1,614,026 alleles (0.000062%); highest among the groups gnomAD compares: Non-Finnish European, 0.000085%; no homozygotes.

Submission:

CeGaT Center for Human Genetics Tuebingen
Classification: Uncertain significance. Last evaluated: 2022-12-01. Review status: criteria provided, single submitter. Criteria: CeGaT Center For Human Genetics Tuebingen Variant Classification Criteria Version 2. Collection method: clinical testing. Allele origin: germline. Affected: yes. Observed: 1 variant allele.
Comment: SCN2A: PM2, PP3

NM_001040142.2(SCN2A):c.5021A>G (p.Tyr1674Cys)

Gene: SCN2A (sodium voltage-gated channel alpha subunit 2; plus strand). Cytogenetic location: 2q24.3.
Variant type: single nucleotide variant.
Coding change: c.5021A>G on transcript NM_001040142.2 (MANE Select); coding-DNA position 5021, A replaced by G.
Protein change: p.Tyr1674Cys; replaces tyrosine 1674 with cysteine.
Molecular consequence: missense variant.
Genome position (GRCh38, 1-based): chr2:165,388,827, A>G. VCF-style: chr2-165388827-A-G. GRCh37 (hg19) VCF-style: chr2-166245337-A-G.
Other names: c.5021A>G, p.Tyr1674Cys (NM_001040143.2, NM_001371246.1, NM_001371247.1 and 1 more transcripts); short protein forms Y1674C.
Identifiers: ClinVar variation 2651492 (VCV002651492.24), dbSNP rs2468158044, ClinGen allele CA349038012.